The following is an entry in ClinVar:

NM_000264.5(PTCH1):c.923C>G (p.Ala308Gly)

Gene: PTCH1 (patched 1; minus strand). Cytogenetic location: 9q22.32.
Variant type: single nucleotide variant.
Coding change: c.923C>G on transcript NM_000264.5 (MANE Select); coding-DNA position 923, C replaced by G.
Protein change: p.Ala308Gly; replaces alanine 308 with glycine.
Molecular consequence: missense variant. On other transcripts: non-coding transcript variant (1).
Genome position (GRCh38, 1-based): chr9:95,480,412, G>C on the plus strand (C>G on the coding strand, the complement: PTCH1 is on the minus strand). VCF-style: chr9-95480412-G-C. GRCh37 (hg19) VCF-style: chr9-98242694-G-C.
Other names: c.725C>G, p.Ala242Gly (NM_001083602.3); c.920C>G, p.Ala307Gly (NM_001083603.3); c.470C>G, p.Ala157Gly (NM_001083604.3, NM_001083605.3, NM_001083606.3 and 1 more transcripts); c.923C>G, p.Ala308Gly (NM_001354918.2); short protein forms A157G, A242G, A307G, A308G.
Identifiers: ClinVar variation 1356842 (VCV001356842.8), dbSNP rs2118413122, ClinGen allele CA374113673.

ClinVar aggregate classification (germline): Uncertain significance (1 of 4 stars; one submission).

Conditions:
Gorlin syndrome. Also called: Basal cell nevus syndrome; Nevoid Basal Cell Carcinoma Syndrome. Identifiers: Orphanet 377, MedGen C0004779, MONDO:0007187.

Submission:

Labcorp Genetics (formerly Invitae), Labcorp
Classification: Uncertain significance for Gorlin syndrome. Last evaluated: 2021-02-10. Review status: criteria provided, single submitter. Criteria: Invitae Variant Classification Sherloc (09022015). Collection method: clinical testing. Allele origin: germline.
Comment: This variant is not present in population databases (ExAC no frequency). This sequence change replaces alanine with glycine at codon 308 of the PTCH1 protein (p.Ala308Gly). The alanine residue is highly conserved and there is a small physicochemical difference between alanine and glycine. This variant has not been reported in the literature in individuals with PTCH1-related conditions. Advanced modeling of protein sequence and biophysical properties (such as structural, functional, and spatial information, amino acid conservation, physicochemical variation, residue mobility, and thermodynamic stability) performed at Invitae indicates that this missense variant is not expected to disrupt PTCH1 protein function. In summary, the available evidence is currently insufficient to determine the role of this variant in disease. Therefore, it has been classified as a Variant of Uncertain Significance.